The following is an entry in ClinVar:

ClinVar aggregate classification (germline): Uncertain significance (1 of 4 stars; one submission).

Submission:

GeneDx
Classification: Uncertain significance. Last evaluated: 2022-03-06. Review status: criteria provided, single submitter. Criteria: GeneDx Variant Classification Process June 2021. Collection method: clinical testing. Allele origin: germline. Affected: yes.
Comment: Not observed at significant frequency in large population cohorts (gnomAD); In silico analysis supports that this missense variant has a deleterious effect on protein structure/function; Has not been previously published as pathogenic or benign to our knowledge

NM_001103146.3(GIGYF2):c.2919A>T (p.Lys973Asn)

Gene: GIGYF2 (GRB10 interacting GYF protein 2; plus strand). Cytogenetic location: 2q37.1.
Variant type: single nucleotide variant.
Coding change: c.2919A>T on transcript NM_001103146.3 (MANE Select); coding-DNA position 2919, A replaced by T.
Protein change: p.Lys973Asn; replaces lysine 973 with asparagine.
Molecular consequence: missense variant. On other transcripts: non-coding transcript variant (1).
Genome position (GRCh38, 1-based): chr2:232,844,075, A>T. VCF-style: chr2-232844075-A-T. GRCh37 (hg19) VCF-style: chr2-233708785-A-T.
Other names: c.2982A>T, p.Lys994Asn (NM_001103147.2); c.2901A>T, p.Lys967Asn (NM_001103148.2); c.2919A>T, p.Lys973Asn (NM_015575.4); short protein forms K967N, K973N, K994N.
Identifiers: ClinVar variation 1704911 (VCV001704911.2), dbSNP rs1157247704, ClinGen allele CA351007868.